The following is an entry in ClinVar:

ClinVar aggregate classification (germline): Uncertain significance (1 of 4 stars; one submission).

Submission:

Ambry Genetics
Classification: Uncertain significance. Last evaluated: 2025-06-29. Review status: criteria provided, single submitter. Criteria: Ambry Variant Classification Scheme 2023. Collection method: clinical testing. Allele origin: germline.
Comment: The p.Q319R variant (also known as c.956A>G), located in coding exon 7 of the ATRIP gene, results from an A to G substitution at nucleotide position 956. The glutamine at codon 319 is replaced by arginine, an amino acid with highly similar properties. This amino acid position is conserved. In addition, this alteration is predicted to be deleterious by in silico analysis. Based on the available evidence, the clinical significance of this variant remains unclear.

NM_130384.3(ATRIP):c.956A>G (p.Gln319Arg)

Genes: ATRIP (ATR interacting protein; plus strand), ATRIP-TREX1 (ATRIP-TREX1 readthrough; plus strand). Cytogenetic location: 3p21.31.
Variant type: single nucleotide variant.
Coding change: c.956A>G on transcript NM_130384.3 (MANE Select); coding-DNA position 956, A replaced by G.
Protein change: p.Gln319Arg; replaces glutamine 319 with arginine.
Molecular consequence: missense variant. On other transcripts: non-coding transcript variant (1).
Genome position (GRCh38, 1-based): chr3:48,459,817, A>G. VCF-style: chr3-48459817-A-G. GRCh37 (hg19) VCF-style: chr3-48501216-A-G.
Other names: c.575A>G, p.Gln192Arg (NM_001271022.2); c.677A>G, p.Gln226Arg (NM_001271023.2); c.956A>G, p.Gln319Arg (NM_032166.4); short protein forms Q226R, Q319R, Q192R.
Identifiers: ClinVar variation 4181937 (VCV004181937.1).
Genomic context (GRCh38, chr3:48,459,817, plus strand): 5'-AACCTTCTAGAGTCATCTTGTCTTCTGCAGGTTCCATTTTGATAAACCTGCTCCTGAAGC[A>G]GCCTTTGATCCCAGGGTCATCCCTAAGCCTTTGCCACCTCCTGAGTAGTAGTTCTGAGTC-3'
Protein context (NP_569055.1, residues 309-329): GSILINLLLK[Gln319Arg]PLIPGSSLSL